The following is an entry in ClinVar:

ClinVar aggregate classification (germline): Uncertain significance (1 of 4 stars; one submission).

Conditions:
Predisposition to Wilms tumor.

gnomAD v4.1: 1 of 1,614,240 alleles (0.000062%); highest among the groups gnomAD compares: Non-Finnish European, 0.000085%; no homozygotes.

Submission:

St. Jude Molecular Pathology, St. Jude Children's Research Hospital
Classification: Uncertain significance for Predisposition to Wilms tumor. Last evaluated: 2026-10-01. Review status: criteria provided, single submitter. Criteria: St. Jude Assertion Criteria 2020. Collection method: clinical testing. Allele origin: germline.
Comment: The CTR9 c.3281G>C p.(Arg1094Thr) missense change is absent in gnomAD v2.1.1. The in silico tool REVEL predicts a benign effect on protein function, but to our knowledge this prediction has not been confirmed by functional studies. To our knowledge, this variant has not been reported in individuals with Wilms tumor. In summary, the evidence currently ava ilable is insufficient to determine the clinical significance of this variant. It has therefore been classified as of uncertain significance.

NM_014633.5(CTR9):c.3281G>C (p.Arg1094Thr)

Gene: CTR9 (CTR9 component of Paf1/RNA polymerase II complex; plus strand). Cytogenetic location: 11p15.4.
Variant type: single nucleotide variant.
Coding change: c.3281G>C on transcript NM_014633.5 (MANE Select); coding-DNA position 3281, G replaced by C.
Protein change: p.Arg1094Thr; replaces arginine 1094 with threonine.
Molecular consequence: missense variant.
Genome position (GRCh38, 1-based): chr11:10,778,864, G>C. VCF-style: chr11-10778864-G-C. GRCh37 (hg19) VCF-style: chr11-10800411-G-C.
Other names: c.3209G>C, p.Arg1070Thr (NM_001346279.2); short protein forms R1070T, R1094T.
Identifiers: ClinVar variation 5038379 (VCV005038379.1).